The following is an entry in ClinVar:

ClinVar aggregate classification (germline): Uncertain significance. Review status: criteria provided, multiple submitters, no conflicts (2 of 4 stars). 3 submissions from 3 submitters: Uncertain significance (3). Last evaluated 2025-11-27.

Conditions:
Arrhythmogenic cardiomyopathy with wooly hair and keratoderma. Also called: Arrhythmogenic cardiomyopathy with woolly hair and keratoderma; PALMOPLANTAR KERATODERMA WITH LEFT VENTRICULAR CARDIOMYOPATHY AND WOOLLY HAIR; Dilated cardiomyopathy with woolly hair and keratoderma; Carvajal syndrome. Identifiers: Orphanet 65282, MedGen C1854063, MONDO:0011581, OMIM 605676.
Arrhythmogenic right ventricular dysplasia 8 (ARVD8). Also called: Arrhythmogenic Right Ventricular Dysplasia/Cardiomyopathy 8; ARRHYTHMOGENIC RIGHT VENTRICULAR DYSPLASIA, FAMILIAL, 8; ARRHYTHMOGENIC RIGHT VENTRICULAR CARDIOMYOPATHY 8. Identifiers: MedGen C1843896, MONDO:0011831, OMIM 607450.
Cardiomyopathy (CMYO). Also called: Cardiomyopathies. Identifiers: Orphanet 167848, MedGen C0878544, MONDO:0004994, HP:0001638. Inheritance: Various modes of inheritance.

Allele frequency attached by ClinVar (database versions not stated): TOPMed 0.00001.

Submissions (3):

Labcorp Genetics (formerly Invitae), Labcorp
Classification: Uncertain significance for Arrhythmogenic cardiomyopathy with wooly hair and keratoderma; Arrhythmogenic right ventricular dysplasia 8. Last evaluated: 2025-11-27. Review status: criteria provided, single submitter. Criteria: Invitae Variant Classification Sherloc (09022015). Collection method: clinical testing. Allele origin: germline.
Comment: This sequence change replaces lysine, which is basic and polar, with asparagine, which is neutral and polar, at codon 1974 of the DSP protein (p.Lys1974Asn). This variant is not present in population databases (gnomAD no frequency). This variant has not been reported in the literature in individuals affected with DSP-related conditions. ClinVar contains an entry for this variant (Variation ID: 1478988). An algorithm developed to predict the effect of missense changes on protein structure and function (PolyPhen-2) suggests that this variant is likely to be disruptive. In summary, the available evidence is currently insufficient to determine the role of this variant in disease. Therefore, it has been classified as a Variant of Uncertain Significance.

Color Diagnostics, LLC DBA Color Health
Classification: Uncertain significance for Cardiomyopathy. Last evaluated: 2025-06-30. Review status: criteria provided, single submitter. Criteria: ACMG Guidelines, 2015. Collection method: clinical testing. Allele origin: germline.
Comment: This missense variant replaces lysine with asparagine at codon 1974 of the DSP protein. Computational prediction suggests that this variant may not impact protein structure and function. To our knowledge, functional studies have not been reported for this variant. This variant has not been reported in individuals affected with DSP-related disorders in the literature. This variant has not been identified in the general population by the Genome Aggregation Database (gnomAD). The available evidence is insufficient to determine the role of this variant in disease conclusively. Therefore, this variant is classified as a Variant of Uncertain Significance.

All of Us Research Program, National Institutes of Health
Classification: Uncertain significance for Arrhythmogenic cardiomyopathy with wooly hair and keratoderma. Last evaluated: 2023-11-30. Review status: criteria provided, single submitter. Criteria: ACMG Guidelines, 2015. Collection method: clinical testing. Allele origin: germline. Inheritance: Autosomal dominant inheritance. Observed: 2 variant alleles, 2 heterozygotes.
Comment: This study involves interpretation of variants in research participants for the purpose of population health screening. Participant phenotype was not available at the time of variant classification. Additional details can be found in publication PMID: 35346344, PMCID: PMC8962531

NM_004415.4(DSP):c.5922G>C (p.Lys1974Asn)

Gene: DSP (desmoplakin; plus strand). Cytogenetic location: 6p24.3.
Variant type: single nucleotide variant.
Coding change: c.5922G>C on transcript NM_004415.4 (MANE Select); coding-DNA position 5922, G replaced by C.
Protein change: p.Lys1974Asn; replaces lysine 1974 with asparagine.
Molecular consequence: missense variant.
Genome position (GRCh38, 1-based): chr6:7,583,184, G>C. VCF-style: chr6-7583184-G-C. GRCh37 (hg19) VCF-style: chr6-7583417-G-C.
Other names: c.4125G>C, p.Lys1375Asn (NM_001008844.3); c.4593G>C, p.Lys1531Asn (NM_001319034.2); short protein forms K1375N, K1974N, K1531N.
Identifiers: ClinVar variation 1478988 (VCV001478988.8), dbSNP rs193059393, ClinGen allele CA362689704.